The following is an entry in ClinVar:

NM_175053.4(KRT74):c.1258C>T (p.Arg420Trp)

Gene: KRT74 (keratin 74; minus strand). Cytogenetic location: 12q13.13.
Variant type: single nucleotide variant.
Coding change: c.1258C>T on transcript NM_175053.4 (MANE Select); coding-DNA position 1258, C replaced by T.
Protein change: p.Arg420Trp; replaces arginine 420 with tryptophan.
Molecular consequence: missense variant.
Genome position (GRCh38, 1-based): chr12:52,568,266, G>A on the plus strand (C>T on the coding strand, the complement: KRT74 is on the minus strand). VCF-style: chr12-52568266-G-A. GRCh37 (hg19) VCF-style: chr12-52962050-G-A.
Other names: short protein forms R420W.
Identifiers: ClinVar variation 770985 (VCV000770985.35), dbSNP rs139723680, ClinGen allele CA6583713.
Genomic context (GRCh38, chr12:52,568,266, plus strand): 5'-CAATCTCCATGTCCAGGGCCAGTTTCAGGCTCATGAGCTCCTGGTACTCGCGCAGCATCC[G>A]CGCCAGCTCCTCCTTGGCCTGGTGCAGGGCGCCCTCCAGCTCATCCAGCTTGGCCTGGGC-3'
Protein context (NP_778223.2, residues 410-430): ALHQAKEELA[Arg420Trp]MLREYQELMS

ClinVar aggregate classification (germline): Likely benign. Review status: criteria provided, multiple submitters, no conflicts (2 of 4 stars). 5 submissions from 5 submitters: Likely benign (4). 1 of the submissions does not count toward it. Last evaluated 2026-08-01.

Conditions:
KRT74-related disorder. Also called: KRT74-related condition.

Allele frequency attached by ClinVar (database versions not stated): 1000 Genomes Project 30x 0.00265; 1000 Genomes Project 0.00280; ESP Exome Variant Server 0.00354; ExAC 0.00357; gnomAD exomes 0.00397 and 0.00473; gnomAD 0.00417 and 0.00422; TOPMed 0.00448.

Submissions (5):

CeGaT Center for Human Genetics Tuebingen
Classification: Likely benign. Last evaluated: 2026-08-01. Review status: criteria provided, single submitter. Criteria: CeGaT Center For Human Genetics Tuebingen Variant Classification Criteria Version 2. Collection method: clinical testing. Allele origin: germline. Affected: yes. Observed: 5 variant alleles.
Comment: KRT74: BS2

Labcorp Genetics (formerly Invitae), Labcorp
Classification: Likely benign. Last evaluated: 2025-12-08. Review status: criteria provided, single submitter. Criteria: Invitae Variant Classification Sherloc (09022015). Collection method: clinical testing. Allele origin: germline.

Blueprint Genetics
Classification: Likely benign. Last evaluated: 2024-11-26. Review status: criteria provided, single submitter. Criteria: ACMG Guidelines, 2015. Collection method: clinical testing. Allele origin: germline.

Breakthrough Genomics
Classification: Likely benign. Review status: criteria provided, single submitter. Criteria: ACMG Guidelines, 2015. Collection method: not provided. Allele origin: germline. Inheritance: Autosomal recessive inheritance. Affected: yes.

PreventionGenetics, part of Exact Sciences
Classification: Likely benign for KRT74-related condition. Last evaluated: 2019-11-14. Review status: no assertion criteria provided. Collection method: clinical testing. Allele origin: germline. Not counted in ClinVar's aggregate classification.
Comment: This variant is classified as likely benign based on ACMG/AMP sequence variant interpretation guidelines (Richards et al. 2015 PMID: 25741868, with internal and published modifications).